The following is an entry in ClinVar:

ClinVar aggregate classification (germline): Likely benign. Review status: criteria provided, multiple submitters, no conflicts (2 of 4 stars). 4 submissions from 4 submitters: Likely benign (3). 1 of the submissions does not count toward it. Last evaluated 2026-01-26.

Conditions:
3M syndrome 2. Also called: 3-M Syndrome, OBSL1-Related; THREE M SYNDROME 2. Identifiers: Orphanet 2616, MedGen C2752041, MONDO:0013039, OMIM 612921.
OBSL1-related disorder. Also called: OBSL1-related condition.

Allele frequency attached by ClinVar (database versions not stated): gnomAD 0.00017 and 0.00029; TOPMed 0.00035; gnomAD exomes 0.00036 and 0.00057; ExAC 0.00052; 1000 Genomes Project 30x 0.00094; 1000 Genomes Project 0.00120.
gnomAD v4.1: 555 of 1,613,806 alleles (0.034%); highest among the groups gnomAD compares: East Asian, 0.88%; 2 homozygotes.

Submissions (4):

Labcorp Genetics (formerly Invitae), Labcorp
Classification: Likely benign. Last evaluated: 2026-01-26. Review status: criteria provided, single submitter. Criteria: Invitae Variant Classification Sherloc (09022015). Collection method: clinical testing. Allele origin: germline.

Women's Health and Genetics/Laboratory Corporation of America, LabCorp
Classification: Likely benign. Last evaluated: 2023-09-08. Review status: criteria provided, single submitter. Criteria: LabCorp Variant Classification Summary - May 2015. Collection method: clinical testing. Allele origin: germline.
Comment: Variant summary: OBSL1 c.2012G>A (p.Arg671His) results in a non-conservative amino acid change in the encoded protein sequence. Four of five in-silico tools predict a benign effect of the variant on protein function. The variant allele was found at a frequency of 0.00057 in 248896 control chromosomes, predominantly at a frequency of 0.0069 within the East Asian subpopulation in the gnomAD database. The observed variant frequency within East Asian control individuals in the gnomAD database is approximately 6 fold of the estimated maximal expected allele frequency for a pathogenic variant in OBSL1 causing Three M Syndrome 2 phenotype (0.0011), strongly suggesting that the variant is a benign polymorphism found primarily in populations of East Asian origin. To our knowledge, no occurrence of c.2012G>A in individuals affected with Three M Syndrome 2 and no experimental evidence demonstrating its impact on protein function have been reported. Two submitters have cited clinical-significance assessments for this variant to ClinVar after 2014. All submitters classified the variant as likely benign. Based on the evidence outlined above, the variant was classified as likely benign.

Illumina Laboratory Services, Illumina
Classification: Likely benign for 3M syndrome 2. Last evaluated: 2018-01-12. Review status: criteria provided, single submitter. Criteria: ICSL Variant Classification Criteria 13 December 2019. Collection method: clinical testing. Allele origin: germline.
Comment: This variant was observed in the ICSL laboratory as part of a predisposition screen in an ostensibly healthy population. It had not been previously curated by ICSL or reported in the Human Gene Mutation Database (HGMD: prior to June 1st, 2018), and was therefore a candidate for classification through an automated scoring system. Utilizing variant allele frequency, disease prevalence and penetrance estimates, and inheritance mode, an automated score was calculated to assess if this variant is too frequent to cause the disease. Based on the score and internal cut-off values, a variant classified as likely benign is not then subjected to further curation. The score for this variant resulted in a classification of likely benign for this disease.

PreventionGenetics, part of Exact Sciences
Classification: Likely benign for OBSL1-related condition. Last evaluated: 2020-10-13. Review status: no assertion criteria provided. Collection method: clinical testing. Allele origin: germline. Not counted in ClinVar's aggregate classification.
Comment: This variant is classified as likely benign based on ACMG/AMP sequence variant interpretation guidelines (Richards et al. 2015 PMID: 25741868, with internal and published modifications).

NM_015311.3(OBSL1):c.2012G>A (p.Arg671His)

Gene: OBSL1 (obscurin like cytoskeletal adaptor 1; minus strand). Cytogenetic location: 2q35.
Variant type: single nucleotide variant.
Coding change: c.2012G>A on transcript NM_015311.3 (MANE Select); coding-DNA position 2012, G replaced by A.
Protein change: p.Arg671His; replaces arginine 671 with histidine.
Molecular consequence: missense variant.
Genome position (GRCh38, 1-based): chr2:219,566,952, C>T on the plus strand (G>A on the coding strand, the complement: OBSL1 is on the minus strand). VCF-style: chr2-219566952-C-T. GRCh37 (hg19) VCF-style: chr2-220431674-C-T.
Other names: c.2012G>A, p.Arg671His (NM_001173408.2, NM_001173431.2); short protein forms R671H.
Identifiers: ClinVar variation 725669 (VCV000725669.15), dbSNP rs147793515, ClinGen allele CA2131355.
Genomic context (GRCh38, chr2:219,566,952, plus strand): 5'-CTGTCCTGGTGCTTGACGGCATGCAGGATGAGTCTGTGCTGCAGACCCTTCTGCTCTATA[C>T]GGTACCGCAGGGCCCCAGGTTCCACCTGGCCCTCCGGCTCGTTACTCTTGAGCTCTTCCC-3'
Protein context (NP_056126.1, residues 661-681): GQVEPGALRY[Arg671His]IEQKGLQHRL